The following is an entry in ClinVar:

ClinVar aggregate classification (germline): Uncertain significance. Review status: criteria provided, multiple submitters, no conflicts (2 of 4 stars). 2 submissions from 2 submitters: Uncertain significance (2). Last evaluated 2024-08-23.

Conditions:
Retinitis pigmentosa 39 (RP39). Identifiers: Orphanet 791, MedGen C3151138, MONDO:0013436, OMIM 613809.

Submissions (2):

3billion
Classification: Uncertain significance for Retinitis pigmentosa 39. Last evaluated: 2024-08-23. Review status: criteria provided, single submitter. Criteria: ACMG Guidelines, 2015. Collection method: clinical testing. Allele origin: germline. Affected: yes.

Labcorp Genetics (formerly Invitae), Labcorp
Classification: Uncertain significance. Last evaluated: 2020-09-24. Review status: criteria provided, single submitter. Criteria: Invitae Variant Classification Sherloc (09022015). Collection method: clinical testing. Allele origin: germline.
Comment: Algorithms developed to predict the effect of missense changes on protein structure and function are either unavailable or do not agree on the potential impact of this missense change (SIFT: "Not Available"; PolyPhen-2: "Probably Damaging"; Align-GVGD: "Not Available"). In summary, the available evidence is currently insufficient to determine the role of this variant in disease. Therefore, it has been classified as a Variant of Uncertain Significance. This variant has been observed in individual(s) with clinical features of retinitis pigmentosa (Invitae). The frequency data for this variant in the population databases is not available, as this variant may be reported as separate entries in the ExAC database. This sequence change replaces glycine with phenylalanine at codon 3574 of the USH2A protein (p.Gly3574Phe). The glycine residue is moderately conserved and there is a large physicochemical difference between glycine and phenylalanine.

Literature cited by the submitters: PubMed 23591405 (cited by 3billion).

NM_206933.4(USH2A):c.10720_10721delinsTT (p.Gly3574Phe)

Gene: USH2A (usherin; minus strand). Cytogenetic location: 1q41.
Variant type: Indel.
Coding change: c.10720_10721delinsTT on transcript NM_206933.4 (MANE Select); coding-DNA positions 10720 to 10721, GG replaced by TT.
Protein change: p.Gly3574Phe; replaces glycine 3574 with phenylalanine.
Molecular consequence: missense variant.
Genome position (GRCh38, 1-based): chr1:215,782,061-215,782,062, CC replaced by AA on the plus strand (GG replaced by TT on the coding strand, the reverse complement: USH2A is on the minus strand). VCF-style: chr1-215782061-CC-AA. GRCh37 (hg19) VCF-style: chr1-215955403-CC-AA.
Other names: short protein forms G3574F.
Identifiers: ClinVar variation 1026918 (VCV001026918.8), dbSNP rs1661658623, ClinGen allele CA1220416660.
Genomic context (GRCh38, chr1:215,782,061, plus strand): 5'-ACTGAACCCCTTTTCCCAGAGTTTAGGCAAACTCCTCTTACCTTGCTACTGGTGGCACAG[CC>AA]AGCAACCGTGCAAGCTTTCAGCTGATATGAATATTCCTGAAATGGTTGAATTCCCTCTTT-3'
Protein context (NP_996816.3, residues 3564-3584): SYQLKACTVA[Gly3574Phe]CATSSKVVAA